The following is an entry in ClinVar:

NM_004304.5(ALK):c.118C>T (p.Pro40Ser)

Gene: ALK (ALK receptor tyrosine kinase; minus strand). Cytogenetic location: 2p23.1.
Variant type: single nucleotide variant.
Coding change: c.118C>T on transcript NM_004304.5 (MANE Select); coding-DNA position 118, C replaced by T.
Protein change: p.Pro40Ser; replaces proline 40 with serine.
Molecular consequence: missense variant.
Genome position (GRCh38, 1-based): chr2:29,920,542, G>A on the plus strand (C>T on the coding strand, the complement: ALK is on the minus strand). VCF-style: chr2-29920542-G-A. GRCh37 (hg19) VCF-style: chr2-30143408-G-A.
Other names: short protein forms P40S.
Identifiers: ClinVar variation 470742 (VCV000470742.13), dbSNP rs371679329, ClinGen allele CA1595044.

ClinVar aggregate classification (germline): Conflicting classifications of pathogenicity. Review status: criteria provided, conflicting classifications (1 of 4 stars). 3 submissions from 3 submitters: Uncertain significance (1); Likely benign (2). Last evaluated 2026-01-26.

Conditions:
Hereditary cancer-predisposing syndrome. Also called: Hereditary neoplastic syndrome; Neoplastic Syndromes, Hereditary; Tumor predisposition; Hereditary Cancer Syndrome. Identifiers: Orphanet 140162, MedGen C0027672, MeSH D009386, MONDO:0015356.
Neuroblastoma, susceptibility to, 3. Also called: ALK-Related Neuroblastic Tumor Susceptibility. Identifiers: Orphanet 635, MedGen C2751681, MONDO:0013083, OMIM 613014.

Allele frequency attached by ClinVar (database versions not stated): ESP Exome Variant Server 0.00008; gnomAD 0.00026; TOPMed 0.00033.
gnomAD v4.1: 55 of 1,607,466 alleles (0.0034%); highest among the groups gnomAD compares: African/African-American, 0.065%; no homozygotes.

Submissions (3):

Labcorp Genetics (formerly Invitae), Labcorp
Classification: Likely benign for Neuroblastoma, susceptibility to, 3. Last evaluated: 2026-01-26. Review status: criteria provided, single submitter. Criteria: Invitae Variant Classification Sherloc (09022015). Collection method: clinical testing. Allele origin: germline.

Ambry Genetics
Classification: Likely benign for Hereditary cancer-predisposing syndrome. Last evaluated: 2024-06-26. Review status: criteria provided, single submitter. Criteria: Ambry Variant Classification Scheme 2023. Collection method: clinical testing. Allele origin: germline.

GeneDx
Classification: Uncertain significance. Last evaluated: 2023-12-24. Review status: criteria provided, single submitter. Criteria: GeneDx Variant Classification Process June 2021. Collection method: clinical testing. Allele origin: germline. Affected: yes.
Comment: In silico analysis supports that this missense variant does not alter protein structure/function; Has not been previously published as pathogenic or benign to our knowledge